The following is an entry in ClinVar:

ClinVar aggregate classification (germline): Uncertain significance. Review status: criteria provided, multiple submitters, no conflicts (2 of 4 stars). 2 submissions from 2 submitters: Uncertain significance (2). Last evaluated 2025-04-13.

Conditions:
NRP2-related disorder. Also called: NRP2-related condition.

gnomAD v4.1: 90 of 1,614,206 alleles (0.0056%); highest among the groups gnomAD compares: South Asian, 0.057%; 1 homozygote.

Submissions (2):

Ambry Genetics
Classification: Uncertain significance. Last evaluated: 2025-04-13. Review status: criteria provided, single submitter. Criteria: Ambry Variant Classification Scheme 2023. Collection method: clinical testing. Allele origin: germline.

PreventionGenetics, part of Exact Sciences
Classification: Uncertain significance for NRP2-related condition. Last evaluated: 2024-12-14. Review status: criteria provided, single submitter. Criteria: ACMG Guidelines, 2015. Collection method: clinical testing. Allele origin: germline.
Comment: The NRP2 c.1520G>A variant is predicted to result in the amino acid substitution p.Arg507His. To our knowledge, this variant has not been reported in the literature. This variant is reported in 0.052% of alleles in individuals of South Asian descent in gnomAD. Although we suspect that this variant may be benign, at this time, the clinical significance of this variant is uncertain due to the absence of conclusive functional and genetic evidence.

NM_003872.3(NRP2):c.1520G>A (p.Arg507His)

Gene: NRP2 (neuropilin 2; plus strand). Cytogenetic location: 2q33.3.
Variant type: single nucleotide variant.
Coding change: c.1520G>A on transcript NM_003872.3 (MANE Select); coding-DNA position 1520, G replaced by A.
Protein change: p.Arg507His; replaces arginine 507 with histidine.
Molecular consequence: missense variant.
Genome position (GRCh38, 1-based): chr2:205,743,431, G>A. VCF-style: chr2-205743431-G-A. GRCh37 (hg19) VCF-style: chr2-206608155-G-A.
Other names: c.1520G>A, p.Arg507His (NM_018534.4, NM_201264.2, NM_201266.2 and 2 more transcripts); short protein forms R507H.
Identifiers: ClinVar variation 3921912 (VCV003921912.2).